The following is an entry in ClinVar:

NM_004370.6(COL12A1):c.531A>G (p.Thr177=)

Gene: COL12A1 (collagen type XII alpha 1 chain; minus strand). Cytogenetic location: 6q13.
Variant type: single nucleotide variant.
Coding change: c.531A>G on transcript NM_004370.6 (MANE Select); coding-DNA position 531, A replaced by G.
Protein change: p.Thr177=; no amino-acid change (threonine 177 retained).
Molecular consequence: synonymous variant. On other transcripts: intron variant (2).
Genome position (GRCh38, 1-based): chr6:75,189,679, T>C on the plus strand (A>G on the coding strand, the complement: COL12A1 is on the minus strand). VCF-style: chr6-75189679-T-C. GRCh37 (hg19) VCF-style: chr6-75899395-T-C.
Other names: p.Thr177=; c.531A>G, p.Thr177= (NM_001424113.1, NM_001424114.1, NM_001424115.1); c.73+13041A>G (NM_001424116.1, NM_080645.3).
Identifiers: ClinVar variation 4683210 (VCV004683210.2).
Genomic context (GRCh38, chr6:75,189,679, plus strand): 5'-GTACTGATTTAAGTTAAATTCAGTCCTGGTATCAGAGCTGTATTGAACAACTCCAACTCT[T>C]GTCTTCTCTTCCCCAATGTCAAAAGCAGACACAAGAGCAGCAATGAAGTCTAAAATGTAC-3'
Protein context (NP_004361.3, residues 167-187): VSAFDIGEEK[Thr177=]RVGVVQYSSD

ClinVar aggregate classification (germline): Benign/Likely benign. Review status: criteria provided, multiple submitters, no conflicts (2 of 4 stars). 2 submissions from 2 submitters: Benign (1); Likely benign (1). Last evaluated 2025-06-29.

Conditions:
Ullrich congenital muscular dystrophy 2 (UCMD2). Identifiers: Orphanet 75840, MedGen C4225314, MONDO:0014654, OMIM 616470.
Bethlem myopathy 2 (BTHLM2). Identifiers: Orphanet 536516, Orphanet 610, MedGen C4225313, MONDO:0034022, OMIM 616471.

gnomAD v4.1: 3 of 1,613,448 alleles (0.00019%); highest among the groups gnomAD compares: East Asian, 0.0067%; no homozygotes.

Submissions (2):

Labcorp Genetics (formerly Invitae), Labcorp
Classification: Benign for Bethlem myopathy 2; Ullrich congenital muscular dystrophy 2. Last evaluated: 2025-06-29. Review status: criteria provided, single submitter. Criteria: Invitae Variant Classification Sherloc (09022015). Collection method: clinical testing. Allele origin: germline.

Mayo Clinic Laboratories, Mayo Clinic
Classification: Likely benign. Last evaluated: 2025-04-28. Review status: criteria provided, single submitter. Criteria: ACMG Guidelines, 2015. Collection method: clinical testing. Allele origin: germline. Observed: 1 variant allele.
Comment: BP4, BP7